The following is an entry in ClinVar:

NM_032444.4(SLX4):c.192A>G (p.Lys64=)

Gene: SLX4 (SLX4 structure-specific endonuclease subunit; minus strand). Cytogenetic location: 16p13.3.
Variant type: single nucleotide variant.
Coding change: c.192A>G on transcript NM_032444.4 (MANE Select); coding-DNA position 192, A replaced by G.
Protein change: p.Lys64=; no amino-acid change (lysine 64 retained).
Molecular consequence: synonymous variant.
Genome position (GRCh38, 1-based): chr16:3,608,773, T>C on the plus strand (A>G on the coding strand, the complement: SLX4 is on the minus strand). VCF-style: chr16-3608773-T-C. GRCh37 (hg19) VCF-style: chr16-3658774-T-C.
Other names: c.192A>G (LRG_503t1).
Identifiers: ClinVar variation 456292 (VCV000456292.36), dbSNP rs756720856, ClinGen allele CA7866931.

ClinVar aggregate classification (germline): Conflicting classifications of pathogenicity. Review status: criteria provided, conflicting classifications (1 of 4 stars). 3 submissions from 3 submitters: Uncertain significance (1); Likely benign (2). Last evaluated 2025-12-17.

Conditions:
Fanconi anemia (FA). Also called: Fanconi's anemia. Identifiers: Orphanet 84, MedGen C0015625, MeSH D005199, MONDO:0019391.
Fanconi anemia complementation group P. Also called: SLX4-Related Fanconi Anemia. Identifiers: Orphanet 84, MedGen C3469542, MONDO:0013499, OMIM 613951.

Allele frequency attached by ClinVar (database versions not stated): ExAC 0.00002; gnomAD 0.00005 and 0.00007; TOPMed 0.00006; gnomAD exomes 0.00007.

Submissions (3):

Labcorp Genetics (formerly Invitae), Labcorp
Classification: Likely benign for Fanconi anemia. Last evaluated: 2025-12-17. Review status: criteria provided, single submitter. Criteria: Invitae Variant Classification Sherloc (09022015). Collection method: clinical testing. Allele origin: germline.

CeGaT Center for Human Genetics Tuebingen
Classification: Likely benign. Last evaluated: 2022-08-01. Review status: criteria provided, single submitter. Criteria: CeGaT Center For Human Genetics Tuebingen Variant Classification Criteria Version 2. Collection method: clinical testing. Allele origin: germline. Affected: yes. Observed: 1 variant allele.
Comment: SLX4: BP4, BP7

Illumina Laboratory Services, Illumina
Classification: Uncertain significance for Fanconi anemia complementation group P. Last evaluated: 2018-01-13. Review status: criteria provided, single submitter. Criteria: ICSL Variant Classification Criteria 13 December 2019. Collection method: clinical testing. Allele origin: germline.